The following is an entry in ClinVar:

NM_001394372.1(BICRA):c.1224C>A (p.Asn408Lys)

Gene: BICRA (BRD4 interacting chromatin remodeling complex associated protein; plus strand). Cytogenetic location: 19q13.33.
Variant type: single nucleotide variant.
Coding change: c.1224C>A on transcript NM_001394372.1 (MANE Select); coding-DNA position 1224, C replaced by A.
Protein change: p.Asn408Lys; replaces asparagine 408 with lysine.
Molecular consequence: missense variant.
Genome position (GRCh38, 1-based): chr19:47,680,394, C>A. VCF-style: chr19-47680394-C-A. GRCh37 (hg19) VCF-style: chr19-48183651-C-A.
Other names: c.1224C>A, p.Asn408Lys (NM_015711.3); short protein forms N408K.
Identifiers: ClinVar variation 1810186 (VCV001810186.3), dbSNP rs780989056, ClinGen allele CA406612308.
Genomic context (GRCh38, chr19:47,680,394, plus strand): 5'-GCAGCAGCCCAAGGCCCCGCAGAACCTGACGTTCATGGCGGCGGGGAAGGCGGGCCAGAA[C>A]GTGGTGCTGTCGGGCTTCCCCGCGCCTGCGCTGCAAGCGAACGTCTTCAAGCAGCCACCG-3'
Protein context (NP_001381301.1, residues 398-418): TFMAAGKAGQ[Asn408Lys]VVLSGFPAPA

ClinVar aggregate classification (germline): Uncertain significance. Review status: criteria provided, multiple submitters, no conflicts (2 of 4 stars). 2 submissions from 2 submitters: Uncertain significance (2). Last evaluated 2026-09-16.

Conditions:
Coffin-Siris syndrome 12. Identifiers: MedGen C5444111, MONDO:0025699, OMIM 619325.

gnomAD v4.1: 4 of 1,533,818 alleles (0.00026%); highest among the groups gnomAD compares: Non-Finnish European, 0.00035%; no homozygotes.

Submissions (2):

GeneDx
Classification: Uncertain significance. Last evaluated: 2026-09-16. Review status: criteria provided, single submitter. Criteria: GeneDx Variant Classification Process June 2021. Collection method: clinical testing. Allele origin: germline.
Comment: Not observed at significant frequency in large population cohorts (gnomAD); In silico analysis supports that this missense variant has a deleterious effect on protein structure/function; Has not been previously published as pathogenic or benign to our knowledge

Baylor Genetics
Classification: Uncertain significance for Coffin-Siris syndrome 12. Last evaluated: 2023-08-04. Review status: criteria provided, single submitter. Criteria: ACMG Guidelines, 2015. Collection method: clinical testing. Allele origin: unknown.